The following is an entry in ClinVar:

ClinVar aggregate classification (germline): Pathogenic. Review status: criteria provided, multiple submitters, no conflicts (2 of 4 stars). 2 submissions from 2 submitters: Pathogenic (2). Last evaluated 2023-07-13.

Conditions:
Duchenne muscular dystrophy (DMD). Also called: Duchenne Muscular Dystrophy (DMD); MUSCULAR DYSTROPHY, PSEUDOHYPERTROPHIC PROGRESSIVE, DUCHENNE TYPE. Identifiers: Orphanet 98896, MedGen C0013264, MONDO:0010679, OMIM 310200.

Submissions (2):

Labcorp Genetics (formerly Invitae), Labcorp
Classification: Pathogenic for Duchenne muscular dystrophy. Last evaluated: 2023-07-13. Review status: criteria provided, single submitter. Criteria: Invitae Variant Classification Sherloc (09022015). Collection method: clinical testing. Allele origin: germline.
Comment: This sequence change creates a premature translational stop signal (p.Tyr3359*) in the DMD gene. It is expected to result in an absent or disrupted protein product. Loss-of-function variants in DMD are known to be pathogenic (PMID: 16770791, 25007885). This variant is not present in population databases (gnomAD no frequency). This variant has not been reported in the literature in individuals affected with DMD-related conditions. ClinVar contains an entry for this variant (Variation ID: 803790). For these reasons, this variant has been classified as Pathogenic.

Mendelics
Classification: Pathogenic for Duchenne muscular dystrophy. Last evaluated: 2019-05-28. Review status: criteria provided, single submitter. Criteria: Mendelics Assertion Criteria 2017. Collection method: clinical testing. Allele origin: unknown.

Literature cited by the submitters: PubMed 16770791 (cited by Labcorp Genetics (formerly Invitae), Labcorp); PubMed 25007885 (cited by Labcorp Genetics (formerly Invitae), Labcorp).

NM_004006.3(DMD):c.10077T>G (p.Tyr3359Ter)

Gene: DMD (dystrophin; minus strand). Cytogenetic location: Xp21.2.
Variant type: single nucleotide variant.
Coding change: c.10077T>G on transcript NM_004006.3 (MANE Select); coding-DNA position 10077, T replaced by G.
Protein change: p.Tyr3359Ter; replaces tyrosine 3359 with a stop codon.
Molecular consequence: nonsense.
Genome position (GRCh38, 1-based): chrX:31,180,379, A>C on the plus strand (T>G on the coding strand, the complement: DMD is on the minus strand). VCF-style: chrX-31180379-A-C. GRCh37 (hg19) VCF-style: chrX-31198496-A-C.
Other names: c.10053T>G, p.Tyr3351Ter (NM_000109.4); c.10065T>G, p.Tyr3355Ter (NM_004009.3); c.9708T>G, p.Tyr3236Ter (NM_004010.3); c.6054T>G, p.Tyr2018Ter (NM_004011.4); c.6045T>G, p.Tyr2015Ter (NM_004012.4); c.2697T>G, p.Tyr899Ter (NM_004013.3, NM_004020.4, NM_004021.3 and 2 more transcripts); c.1890T>G, p.Tyr630Ter (NM_004014.3); c.873T>G, p.Tyr291Ter (NM_004015.3, NM_004016.3, NM_004017.3 and 2 more transcripts); short protein forms Y3359*, Y3351*, Y630*, Y3355*, Y899*, Y2015*, Y2018*, Y291*.
Identifiers: ClinVar variation 803790 (VCV000803790.4), dbSNP rs1181271457, ClinGen allele CA412653003.